The following is an entry in ClinVar:

NM_000843.4(GRM6):c.1018G>C (p.Asp340His)

Genes: GRM6 (glutamate metabotropic receptor 6; minus strand), ZNF454 (zinc finger protein 454; plus strand). Cytogenetic location: 5q35.3.
Variant type: single nucleotide variant.
Coding change: c.1018G>C on transcript NM_000843.4 (MANE Select); coding-DNA position 1018, G replaced by C.
Protein change: p.Asp340His; replaces aspartic acid 340 with histidine.
Molecular consequence: missense variant.
Genome position (GRCh38, 1-based): chr5:178,989,400, C>G on the plus strand (G>C on the coding strand, the complement: GRM6 is on the minus strand). VCF-style: chr5-178989400-C-G. GRCh37 (hg19) VCF-style: chr5-178416401-C-G.
Other names: short protein forms D340H.
Identifiers: ClinVar variation 2540177 (VCV002540177.3), dbSNP rs533525913, ClinGen allele CA3594254.

ClinVar aggregate classification (germline): Uncertain significance. Review status: criteria provided, multiple submitters, no conflicts (2 of 4 stars). 2 submissions from 2 submitters: Uncertain significance (2). Last evaluated 2023-04-25.

Conditions:
Inborn genetic diseases. Identifiers: MedGen C0950123, MeSH D030342.

Allele frequency attached by ClinVar (database versions not stated): ExAC 0.00001.
gnomAD v4.1: 6 of 1,613,984 alleles (0.00037%); highest among the groups gnomAD compares: Non-Finnish European, 0.00051%; no homozygotes.

Submissions (2):

Ambry Genetics
Classification: Uncertain significance for Inborn genetic diseases. Last evaluated: 2023-04-25. Review status: criteria provided, single submitter. Criteria: Ambry Variant Classification Scheme 2023. Collection method: clinical testing. Allele origin: germline.

Labcorp Genetics (formerly Invitae), Labcorp
Classification: Uncertain significance. Last evaluated: 2023-04-13. Review status: criteria provided, single submitter. Criteria: Invitae Variant Classification Sherloc (09022015). Collection method: clinical testing. Allele origin: germline.
Comment: In summary, the available evidence is currently insufficient to determine the role of this variant in disease. Therefore, it has been classified as a Variant of Uncertain Significance. Advanced modeling of protein sequence and biophysical properties (such as structural, functional, and spatial information, amino acid conservation, physicochemical variation, residue mobility, and thermodynamic stability) has been performed at Invitae for this missense variant, however the output from this modeling did not meet the statistical confidence thresholds required to predict the impact of this variant on GRM6 protein function. This variant has not been reported in the literature in individuals affected with GRM6-related conditions. This variant is present in population databases (rs533525913, gnomAD 0.002%). This sequence change replaces aspartic acid, which is acidic and polar, with histidine, which is basic and polar, at codon 340 of the GRM6 protein (p.Asp340His).